The following is an entry in ClinVar:

NM_003978.5(PSTPIP1):c.354+20_354+21delinsTC

Gene: PSTPIP1 (proline-serine-threonine phosphatase interacting protein 1; plus strand). Cytogenetic location: 15q24.3.
Variant type: Indel.
Coding change: c.354+20_354+21delinsTC on transcript NM_003978.5 (MANE Select); bases 20 to 21 of the intron after coding-DNA position 354, CG replaced by TC.
Molecular consequence: intron variant.
Genome position (GRCh38, 1-based): chr15:77,025,624-77,025,625, CG replaced by TC. VCF-style: chr15-77025624-CG-TC. GRCh37 (hg19) VCF-style: chr15-77317965-CG-TC.
Other names: c.549+20_549+21delinsTC (NM_001321137.1); c.327+20_327+21delinsTC (NM_001321136.2); c.354+20_354+21delinsTC (NM_001321135.2, NM_001411086.1).
Identifiers: ClinVar variation 2797890 (VCV002797890.3), dbSNP rs2542799520, ClinGen allele CA2739269597.

ClinVar aggregate classification (germline): Uncertain significance (1 of 4 stars; one submission).

Conditions:
Pyogenic arthritis-pyoderma gangrenosum-acne syndrome (PAPA). Also called: FAMILIAL RECURRENT ARTHRITIS; PAPA SYNDROME. Identifiers: Orphanet 69126, MedGen C1858361, MONDO:0011462, OMIM 604416.

Submission:

Labcorp Genetics (formerly Invitae), Labcorp
Classification: Uncertain significance for Pyogenic arthritis-pyoderma gangrenosum-acne syndrome. Last evaluated: 2023-08-01. Review status: criteria provided, single submitter. Criteria: Invitae Variant Classification Sherloc (09022015). Collection method: clinical testing. Allele origin: germline.
Comment: This sequence change falls in intron 5 of the PSTPIP1 gene. It does not directly change the encoded amino acid sequence of the PSTPIP1 protein. Information on the frequency of this variant in the gnomAD database is not available, as this variant may be reported differently in the database. This variant has not been reported in the literature in individuals affected with PSTPIP1-related conditions. Experimental studies and prediction algorithms are not available or were not evaluated, and the effect of this variant on mRNA splicing is currently unknown. In summary, the available evidence is currently insufficient to determine the role of this variant in disease. Therefore, it has been classified as a Variant of Uncertain Significance.